The following is an entry in ClinVar:

ClinVar aggregate classification (germline): Conflicting classifications of pathogenicity. Review status: criteria provided, conflicting classifications (1 of 4 stars). 2 submissions from 2 submitters: Uncertain significance (1); Likely benign (1). Last evaluated 2023-03-23.

Conditions:
Hereditary breast ovarian cancer syndrome. Also called: Hereditary breast and ovarian cancer syndrome (HBOC); BRCA1- and BRCA2-Associated Hereditary Breast and Ovarian Cancer; Hereditary breast and ovarian cancer syndrome; Breast and ovarian cancer; Hereditary breast and ovarian cancer; Hereditary breast and/or ovarian cancer syndrome. Identifiers: Orphanet 145, MedGen C0677776, MeSH D061325, MONDO:0003582. Disease mechanism: loss of function.
Hereditary cancer-predisposing syndrome. Also called: Hereditary neoplastic syndrome; Neoplastic Syndromes, Hereditary; Tumor predisposition; Hereditary Cancer Syndrome. Identifiers: Orphanet 140162, MedGen C0027672, MeSH D009386, MONDO:0015356.

Submissions (2):

University of Washington Department of Laboratory Medicine, University of Washington
Classification: Likely benign for Hereditary cancer-predisposing syndrome. Last evaluated: 2023-03-23. Review status: criteria provided, single submitter. Criteria: Dines et al. (Genet Med. 2020). Collection method: curation. Allele origin: germline.
Comment: Missense variant in a coldspot region where missense variants are very unlikely to be pathogenic (PMID:31911673).

BRCA2 exon 11 coldspot. Reclassification based on statistical prior probability.

Labcorp Genetics (formerly Invitae), Labcorp
Classification: Uncertain significance for Hereditary breast ovarian cancer syndrome. Last evaluated: 2017-09-14. Review status: criteria provided, single submitter. Criteria: Invitae Variant Classification Sherloc (09022015). Collection method: clinical testing. Allele origin: germline.
Comment: This sequence change replaces lysine with arginine at codon 2244 of the BRCA2 protein (p.Lys2244Arg). The lysine residue is weakly conserved and there is a small physicochemical difference between lysine and arginine. In summary, the available evidence is currently insufficient to determine the role of this variant in disease. Therefore, it has been classified as a Variant of Uncertain Significance. Algorithms developed to predict the effect of missense changes on protein structure and function (SIFT, PolyPhen-2, Align-GVGD) all suggest that this variant is likely to be tolerated, but these predictions have not been confirmed by published functional studies and their clinical significance is uncertain. This variant has not been reported in the literature in individuals with BRCA2-related disease. This variant is not present in population databases (ExAC no frequency).

NM_000059.4(BRCA2):c.6731A>G (p.Lys2244Arg)

Gene: BRCA2 (BRCA2 DNA repair associated; plus strand). Cytogenetic location: 13q13.1.
Variant type: single nucleotide variant.
Coding change: c.6731A>G on transcript NM_000059.4 (MANE Select); coding-DNA position 6731, A replaced by G.
Protein change: p.Lys2244Arg; replaces lysine 2244 with arginine.
Molecular consequence: missense variant.
Genome position (GRCh38, 1-based): chr13:32,341,086, A>G. VCF-style: chr13-32341086-A-G. GRCh37 (hg19) VCF-style: chr13-32915223-A-G.
Other names: short protein forms K2244R.
Identifiers: ClinVar variation 531439 (VCV000531439.10), dbSNP rs1555284837, ClinGen allele CA387791074.